The following is an entry in ClinVar:

ClinVar aggregate classification (germline): Uncertain significance (1 of 4 stars; one submission).

Conditions:
Idiopathic generalized epilepsy. Also called: EIG; Generalised epilepsy. Identifiers: MedGen C0270850, MONDO:0005579, OMIM 600669.

Submission:

Labcorp Genetics (formerly Invitae), Labcorp
Classification: Uncertain significance for Idiopathic generalized epilepsy. Last evaluated: 2022-08-01. Review status: criteria provided, single submitter. Criteria: Invitae Variant Classification Sherloc (09022015). Collection method: clinical testing. Allele origin: germline.
Comment: This sequence change falls in intron 10 of the RBFOX1 gene. It does not directly change the encoded amino acid sequence of the RBFOX1 protein. Information on the frequency of this variant in the gnomAD database is not available, as this variant may be reported differently in the database. This variant has not been reported in the literature in individuals affected with RBFOX1-related conditions. Experimental studies and prediction algorithms are not available or were not evaluated, and the effect of this variant on mRNA splicing is currently unknown. In summary, the available evidence is currently insufficient to determine the role of this variant in disease. Therefore, it has been classified as a Variant of Uncertain Significance.

NM_018723.4(RBFOX1):c.931-20_931-19inv

Gene: RBFOX1 (RNA binding fox-1 homolog 1; plus strand). Cytogenetic location: 16p13.3.
Variant type: Inversion.
Coding change: c.931-20_931-19inv on transcript NM_018723.4 (MANE Select).
Molecular consequence: intron variant.
Genome position: GRCh38 VCF-style: chr16-7676754-CA-TG. GRCh37 (hg19) VCF-style: chr16-7726756-CA-TG.
Other names: c.931-20_931-19inv (NM_001364800.2, NM_001142334.2); c.850-20_850-19inv (NM_001142333.2); c.1060-20_1060-19inv (NM_001308117.1); c.994-20_994-19inv (NM_145893.3, NM_145891.3, NM_145892.3).
Identifiers: ClinVar variation 2084963 (VCV002084963.4), ClinGen allele CA2580092056.